The following is an entry in ClinVar:

NM_003128.3(SPTBN1):c.6959C>T (p.Thr2320Met)

Genes: SPTBN1 (spectrin beta, non-erythrocytic 1; plus strand), SPTBN1-AS2 (SPTBN1 antisense RNA 2; minus strand). Cytogenetic location: 2p16.2.
Variant type: single nucleotide variant.
Coding change: c.6959C>T on transcript NM_003128.3 (MANE Select); coding-DNA position 6959, C replaced by T.
Protein change: p.Thr2320Met; replaces threonine 2320 with methionine.
Molecular consequence: missense variant.
Genome position (GRCh38, 1-based): chr2:54,668,433, C>T. VCF-style: chr2-54668433-C-T. GRCh37 (hg19) VCF-style: chr2-54895570-C-T.
Other names: short protein forms T2320M.
Identifiers: ClinVar variation 2591843 (VCV002591843.24), dbSNP rs112558321, ClinGen allele CA1661892.

ClinVar aggregate classification (germline): Likely benign. Review status: criteria provided, multiple submitters, no conflicts (2 of 4 stars). 3 submissions from 3 submitters: Likely benign (2). 1 of the submissions does not count toward it. Last evaluated 2024-02-01.

Conditions:
Inborn genetic diseases. Identifiers: MedGen C0950123, MeSH D030342.
SPTBN1-related disorder. Also called: SPTBN1-related condition.

Allele frequency attached by ClinVar (database versions not stated): 1000 Genomes Project 0.00040; gnomAD 0.00040; TOPMed 0.00045; ExAC 0.00047; gnomAD exomes 0.00054; 1000 Genomes Project 30x 0.00062; ESP Exome Variant Server 0.00085.
gnomAD v4.1: 826 of 1,614,212 alleles (0.051%); highest among the groups gnomAD compares: Non-Finnish European, 0.067%; 1 homozygote.

Submissions (3):

CeGaT Center for Human Genetics Tuebingen
Classification: Likely benign. Last evaluated: 2024-02-01. Review status: criteria provided, single submitter. Criteria: CeGaT Center For Human Genetics Tuebingen Variant Classification Criteria Version 2. Collection method: clinical testing. Allele origin: germline. Affected: yes. Observed: 1 variant allele.
Comment: SPTBN1: BS2

Ambry Genetics
Classification: Likely benign for Inborn genetic diseases. Last evaluated: 2023-08-23. Review status: criteria provided, single submitter. Criteria: Ambry Variant Classification Scheme 2023. Collection method: clinical testing. Allele origin: germline.

PreventionGenetics, part of Exact Sciences
Classification: Benign for SPTBN1-related condition. Last evaluated: 2024-09-26. Review status: no assertion criteria provided. Collection method: clinical testing. Allele origin: germline. Not counted in ClinVar's aggregate classification.
Comment: This variant is classified as benign based on ACMG/AMP sequence variant interpretation guidelines (Richards et al. 2015 PMID: 25741868, with internal and published modifications).